The following is an entry in ClinVar:

NM_004385.5(VCAN):c.3152C>T (p.Ser1051Phe)

Gene: VCAN (versican; plus strand). Cytogenetic location: 5q14.3.
Variant type: single nucleotide variant.
Coding change: c.3152C>T on transcript NM_004385.5 (MANE Select); coding-DNA position 3152, C replaced by T.
Protein change: p.Ser1051Phe; replaces serine 1051 with phenylalanine.
Molecular consequence: missense variant. On other transcripts: intron variant (2).
Genome position (GRCh38, 1-based): chr5:83,521,458, C>T. VCF-style: chr5-83521458-C-T. GRCh37 (hg19) VCF-style: chr5-82817277-C-T.
Other names: c.3152C>T, p.Ser1051Phe (NM_001164098.2); c.1042+9062C>T (NM_001164097.2, NM_001126336.3); short protein forms S1051F.
Identifiers: ClinVar variation 968365 (VCV000968365.9), dbSNP rs1412879243, ClinGen allele CA360305447.
Genomic context (GRCh38, chr5:83,521,458, plus strand): 5'-CTCAGGAAGAATTCCCTTGGAAAGAACAGACTGCAGAGAAACCAGTTCCTGCTCTCAGTT[C>T]TACAGCTTGGACTCCCAAGGAGGCAGTAACACCACTGGATGAACAAGAGGGCGATGGATC-3'
Protein context (NP_004376.2, residues 1041-1061): TAEKPVPALS[Ser1051Phe]TAWTPKEAVT

ClinVar aggregate classification (germline): Uncertain significance (1 of 4 stars; one submission).

Allele frequency attached by ClinVar (database versions not stated): TOPMed below 0.00001; gnomAD exomes 0.00001.
gnomAD v4.1: 3 of 1,614,138 alleles (0.00019%); highest among the groups gnomAD compares: African/African-American, 0.004%; no homozygotes.

Submission:

Labcorp Genetics (formerly Invitae), Labcorp
Classification: Uncertain significance. Last evaluated: 2022-02-10. Review status: criteria provided, single submitter. Criteria: Invitae Variant Classification Sherloc (09022015). Collection method: clinical testing. Allele origin: germline.
Comment: In summary, the available evidence is currently insufficient to determine the role of this variant in disease. Therefore, it has been classified as a Variant of Uncertain Significance. Algorithms developed to predict the effect of missense changes on protein structure and function output the following: SIFT: "Deleterious"; PolyPhen-2: "Benign"; Align-GVGD: "Class C15". The phenylalanine amino acid residue is found in multiple mammalian species, which suggests that this missense change does not adversely affect protein function. ClinVar contains an entry for this variant (Variation ID: 968365). This variant has not been reported in the literature in individuals affected with VCAN-related conditions. This variant is present in population databases (no rsID available, gnomAD 0.01%). This sequence change replaces serine, which is neutral and polar, with phenylalanine, which is neutral and non-polar, at codon 1051 of the VCAN protein (p.Ser1051Phe).